The following is an entry in ClinVar:

NM_002609.4(PDGFRB):c.1660A>G (p.Met554Val)

Gene: PDGFRB (platelet derived growth factor receptor beta; minus strand). Cytogenetic location: 5q32.
Variant type: single nucleotide variant.
Coding change: c.1660A>G on transcript NM_002609.4 (MANE Select); coding-DNA position 1660, A replaced by G.
Protein change: p.Met554Val; replaces methionine 554 with valine.
Molecular consequence: missense variant.
Genome position (GRCh38, 1-based): chr5:150,126,534, T>C on the plus strand (A>G on the coding strand, the complement: PDGFRB is on the minus strand). VCF-style: chr5-150126534-T-C. GRCh37 (hg19) VCF-style: chr5-149506097-T-C.
Other names: c.1468A>G, p.Met490Val (NM_001355016.2); c.1177A>G, p.Met393Val (NM_001355017.2); c.1660A>G (NM_002609.3); short protein forms M393V, M554V, M490V.
Identifiers: ClinVar variation 2074737 (VCV002074737.7), dbSNP rs1210272407, ClinGen allele CA361713280.

ClinVar aggregate classification (germline): Uncertain significance. Review status: criteria provided, multiple submitters, no conflicts (2 of 4 stars). 3 submissions from 3 submitters: Uncertain significance (3). Last evaluated 2023-06-23.

Conditions:
Inborn genetic diseases. Identifiers: MedGen C0950123, MeSH D030342.
Infantile myofibromatosis (IMF). Also called: Congenital generalized fibromatosis. Identifiers: Orphanet 2591, MedGen C0432284, MONDO:0016824.
Skeletal overgrowth-craniofacial dysmorphism-hyperelastic skin-white matter lesions syndrome. Also called: SKELETAL OVERGROWTH WITH FACIAL DYSMORPHISM, HYPERELASTIC SKIN, WHITE MATTER LESIONS, AND NEUROLOGIC DETERIORATION; Kosaki overgrowth syndrome. Identifiers: Orphanet 477831, MedGen C4225270, MONDO:0014704, OMIM 616592.
Acroosteolysis-keloid-like lesions-premature aging syndrome. Also called: Premature aging syndrome, Penttinen type; Prematurely aged appearance, delayed bone maturation, acro-osteolysis, and brachydactyly; Progeroid syndrome, Penttinen type. Identifiers: Orphanet 363665, MedGen C1866182, MONDO:0011150, OMIM 601812.
Basal ganglia calcification, idiopathic, 4 (PFBC4). Also called: Familial Idiopathic Basal Ganglia Calcification 4; PRIMARY FAMILIAL BRAIN CALCIFICATION 4, AUTOSOMAL DOMINANT. Identifiers: Orphanet 1980, MedGen C3554321, MONDO:0014004, OMIM 615007.

Allele frequency attached by ClinVar (database versions not stated): gnomAD exomes 0.00001.
gnomAD v4.1: 3 of 1,595,324 alleles (0.00019%); highest among the groups gnomAD compares: Non-Finnish European, 0.00026%; no homozygotes.

Submissions (3):

Ambry Genetics
Classification: Uncertain significance for Inborn genetic diseases. Last evaluated: 2023-06-23. Review status: criteria provided, single submitter. Criteria: Ambry Variant Classification Scheme 2023. Collection method: clinical testing. Allele origin: germline.

Labcorp Genetics (formerly Invitae), Labcorp
Classification: Uncertain significance for Basal ganglia calcification, idiopathic, 4; Skeletal overgrowth-craniofacial dysmorphism-hyperelastic skin-white matter lesions syndrome; Infantile myofibromatosis; Acroosteolysis-keloid-like lesions-premature aging syndrome. Last evaluated: 2022-07-27. Review status: criteria provided, single submitter. Criteria: Invitae Variant Classification Sherloc (09022015). Collection method: clinical testing. Allele origin: germline.
Comment: This variant has not been reported in the literature in individuals affected with PDGFRB-related conditions. In summary, the available evidence is currently insufficient to determine the role of this variant in disease. Therefore, it has been classified as a Variant of Uncertain Significance. Advanced modeling of protein sequence and biophysical properties (such as structural, functional, and spatial information, amino acid conservation, physicochemical variation, residue mobility, and thermodynamic stability) performed at Invitae indicates that this missense variant is not expected to disrupt PDGFRB protein function. This variant is present in population databases (no rsID available, gnomAD 0.0009%). This sequence change replaces methionine, which is neutral and non-polar, with valine, which is neutral and non-polar, at codon 554 of the PDGFRB protein (p.Met554Val).

Breakthrough Genomics
Classification: Uncertain significance. Review status: criteria provided, single submitter. Criteria: ACMG Guidelines, 2015. Collection method: not provided. Allele origin: germline. Inheritance: Autosomal dominant inheritance. Affected: yes.